The following is an entry in ClinVar:

NM_198578.4(LRRK2):c.1679A>T (p.Gln560Leu)

Gene: LRRK2 (leucine rich repeat kinase 2; plus strand). Cytogenetic location: 12q12.
Variant type: single nucleotide variant.
Coding change: c.1679A>T on transcript NM_198578.4 (MANE Select); coding-DNA position 1679, A replaced by T.
Protein change: p.Gln560Leu; replaces glutamine 560 with leucine.
Molecular consequence: missense variant.
Genome position (GRCh38, 1-based): chr12:40,274,605, A>T. VCF-style: chr12-40274605-A-T. GRCh37 (hg19) VCF-style: chr12-40668407-A-T.
Other names: short protein forms Q560L.
Identifiers: ClinVar variation 1777848 (VCV001777848.2), dbSNP rs2499622591, ClinGen allele CA384402722.

ClinVar aggregate classification (germline): Uncertain significance (1 of 4 stars; one submission).

Conditions:
Inborn genetic diseases. Identifiers: MedGen C0950123, MeSH D030342.

Submission:

Ambry Genetics
Classification: Uncertain significance for Inborn genetic diseases. Last evaluated: 2021-08-15. Review status: criteria provided, single submitter. Criteria: Ambry Variant Classification Scheme 2023. Collection method: clinical testing. Allele origin: germline.
Comment: The p.Q560L variant (also known as c.1679A>T), located in coding exon 15 of the LRRK2 gene, results from an A to T substitution at nucleotide position 1679. The glutamine at codon 560 is replaced by leucine, an amino acid with dissimilar properties. This amino acid position is conserved. In addition, this alteration is predicted to be deleterious by in silico analysis. Since supporting evidence is limited at this time, the clinical significance of this alteration remains unclear.